The following is an entry in ClinVar:

NM_015909.4(NBAS):c.336-3C>G

Gene: NBAS (NBAS subunit of NRZ tethering complex; minus strand). Cytogenetic location: 2p24.3.
Variant type: single nucleotide variant.
Coding change: c.336-3C>G on transcript NM_015909.4 (MANE Select); 3 bases into the intron before coding-DNA position 336, C replaced by G.
Molecular consequence: intron variant.
Genome position (GRCh38, 1-based): chr2:15,551,539, G>C on the plus strand (C>G on the coding strand, the complement: NBAS is on the minus strand). VCF-style: chr2-15551539-G-C. GRCh37 (hg19) VCF-style: chr2-15691663-G-C.
Identifiers: ClinVar variation 3903181 (VCV003903181.1).

ClinVar aggregate classification (germline): Uncertain significance (1 of 4 stars; one submission).

Submission:

GeneDx
Classification: Uncertain significance. Last evaluated: 2024-12-10. Review status: criteria provided, single submitter. Criteria: GeneDx Variant Classification Process June 2021. Collection method: clinical testing. Allele origin: germline. Affected: yes.
Comment: Not observed at significant frequency in large population cohorts (gnomAD); In silico analysis supports a deleterious effect on splicing; Has not been previously published as pathogenic or benign to our knowledge